The following is an entry in ClinVar:

ClinVar aggregate classification (germline): Likely pathogenic. Review status: criteria provided, multiple submitters, no conflicts (2 of 4 stars). 3 submissions from 3 submitters: Likely pathogenic (3). Last evaluated 2021-12-26.

Conditions:
Autosomal recessive Alport syndrome (ATS2). Also called: COL4A4 Alport Syndrome and Thin Basement Membrane Nephropathy; ALPORT SYNDROME 2, AUTOSOMAL RECESSIVE; Alport syndrome type 2; COL4A3-Related Nephropathy. Identifiers: Orphanet 63, Orphanet 88919, MedGen C4746745, MONDO:0008762, OMIM 203780.
Autosomal dominant Alport syndrome (ATS3A). Also called: Alport syndrome dominant type; Renal failure and sensorineural hearing loss; ALPORT SYNDROME 3A, AUTOSOMAL DOMINANT. Identifiers: Orphanet 63, Orphanet 88918, MedGen C5882663, MONDO:0007086, OMIM 104200.
Benign familial hematuria. Also called: thin basement membrane disease. Identifiers: MedGen C0241908, MONDO:0957317.

Allele frequency attached by ClinVar (database versions not stated): gnomAD exomes below 0.00001; TOPMed below 0.00001; ExAC 0.00001.

Submissions (3):

Fulgent Genetics
Classification: Likely pathogenic for Autosomal dominant Alport syndrome; Hematuria, benign familial, 1; Autosomal recessive Alport syndrome. Last evaluated: 2021-12-26. Review status: criteria provided, single submitter. Criteria: ACMG Guidelines, 2015. Collection method: clinical testing. Allele origin: unknown.

Labcorp Genetics (formerly Invitae), Labcorp
Classification: Likely pathogenic. Last evaluated: 2021-04-06. Review status: criteria provided, single submitter. Criteria: Invitae Variant Classification Sherloc (09022015). Collection method: clinical testing. Allele origin: germline.
Comment: This sequence change replaces glycine with serine at codon 1155 of the COL4A3 protein (p.Gly1155Ser). The glycine residue is highly conserved and there is a small physicochemical difference between glycine and serine. This variant is present in population databases (rs774583962, ExAC 0.002%). This variant has not been reported in the literature in individuals with COL4A3-related conditions. Advanced modeling of protein sequence and biophysical properties (such as structural, functional, and spatial information, amino acid conservation, physicochemical variation, residue mobility, and thermodynamic stability) performed at Invitae indicates that this missense variant is expected to disrupt COL4A3 protein function. This variant disrupts the p.Gly1155 amino acid residue in COL4A3. Other variant(s) that disrupt this residue have been determined to be pathogenic (PMID: 24633401, 26920127, 27281700). This suggests that this residue is clinically significant, and that variants that disrupt this residue are likely to be disease-causing. In summary, the currently available evidence indicates that the variant is pathogenic, but additional data are needed to prove that conclusively. Therefore, this variant has been classified as Likely Pathogenic.

Clinical Genetics Service, Universitary Hospital 12 de Octubre
Classification: Likely pathogenic for Autosomal dominant Alport syndrome. Review status: criteria provided, single submitter. Criteria: ACMG Guidelines, 2015. Collection method: clinical testing. Allele origin: germline. Affected: yes.

Literature cited by the submitters: PubMed 24633401 (cited by Labcorp Genetics (formerly Invitae), Labcorp); PubMed 26920127 (cited by Labcorp Genetics (formerly Invitae), Labcorp); PubMed 27281700 (cited by Labcorp Genetics (formerly Invitae), Labcorp).

NM_000091.5(COL4A3):c.3463G>A (p.Gly1155Ser)

Genes: COL4A3 (collagen type IV alpha 3 chain; plus strand), MFF-DT (MFF divergent transcript; minus strand). Cytogenetic location: 2q36.3.
Variant type: single nucleotide variant.
Coding change: c.3463G>A on transcript NM_000091.5 (MANE Select); coding-DNA position 3463, G replaced by A.
Protein change: p.Gly1155Ser; replaces glycine 1155 with serine.
Molecular consequence: missense variant.
Genome position (GRCh38, 1-based): chr2:227,295,008, G>A. VCF-style: chr2-227295008-G-A. GRCh37 (hg19) VCF-style: chr2-228159724-G-A.
Other names: short protein forms G1155S.
Identifiers: ClinVar variation 1488700 (VCV001488700.10), dbSNP rs774583962, ClinGen allele CA2147255.